The following is an entry in ClinVar:

NM_005321.3(H1-4):c.446_447insT (p.Lys149fs)

Gene: H1-4 (H1.4 linker histone, cluster member; plus strand). Cytogenetic location: 6p22.2.
Variant type: Insertion.
Coding change: c.446_447insT on transcript NM_005321.3 (MANE Select); coding-DNA positions 446 to 447, T inserted.
Protein change: p.Lys149fs; shifts the reading frame from lysine 149.
Molecular consequence: frameshift variant.
Genome position: GRCh38 VCF-style: chr6-26156836-A-AT. GRCh37 (hg19) VCF-style: chr6-26157064-A-AT.
Other names: short protein forms K149fs.
Identifiers: ClinVar variation 3340665 (VCV003340665.1).

ClinVar aggregate classification (germline): Pathogenic (1 of 4 stars; one submission).

Submission:

GeneDx
Classification: Pathogenic. Last evaluated: 2023-12-26. Review status: criteria provided, single submitter. Criteria: GeneDx Variant Classification Process June 2021. Collection method: clinical testing. Allele origin: germline. Affected: yes.
Comment: Frameshift variant predicted to result in abnormal protein length as the last 71 amino acids are replaced with 46 different amino acids, and other similar variants have been reported in HGMD; Not observed in large population cohorts (gnomAD); This variant is associated with the following publications: (PMID: 33921431)